The following is an entry in ClinVar:

NM_031476.4(CRISPLD2):c.1305+21A>G

Genes: CRISPLD2 (cysteine rich secretory protein LCCL domain containing 2; plus strand), LOC126862429 (CDK7 strongly-dependent group 2 enhancer GRCh37_chr16:84913207-84914406; plus strand). Cytogenetic location: 16q24.1.
Variant type: single nucleotide variant.
Coding change: c.1305+21A>G on transcript NM_031476.4 (MANE Select); 21 bases into the intron after coding-DNA position 1305, A replaced by G.
Molecular consequence: intron variant.
Genome position (GRCh38, 1-based): chr16:84,880,605, A>G. VCF-style: chr16-84880605-A-G. GRCh37 (hg19) VCF-style: chr16-84914211-A-G.
Identifiers: ClinVar variation 2646930 (VCV002646930.24), dbSNP rs200162804, ClinGen allele CA8212072.
Genomic context (GRCh38, chr16:84,880,605, plus strand): 5'-CTACTGGGCTCCGGTGTTTGGAACCAACATCTATGCAGATGTGAGTAGGATGCATTTTCA[A>G]CAACTATCTCGCAAAGCCTGTTAAAGACCTCAACATGCAAGCTCCAAGATCTGGATACTT-3'

ClinVar aggregate classification (germline): Likely benign (1 of 4 stars; one submission).

Allele frequency attached by ClinVar (database versions not stated): gnomAD exomes 0.00056; TOPMed 0.00056; ExAC 0.00060; gnomAD 0.00060; ESP Exome Variant Server 0.00077.
gnomAD v4.1: 895 of 1,606,226 alleles (0.056%); highest among the groups gnomAD compares: Non-Finnish European, 0.064%; 4 homozygotes.

Submission:

CeGaT Center for Human Genetics Tuebingen
Classification: Likely benign. Last evaluated: 2022-11-01. Review status: criteria provided, single submitter. Criteria: CeGaT Center For Human Genetics Tuebingen Variant Classification Criteria Version 2. Collection method: clinical testing. Allele origin: germline. Affected: yes. Observed: 1 variant allele.
Comment: CRISPLD2: BP4, BP7